The following is an entry in ClinVar:

ClinVar aggregate classification (germline): Uncertain significance. Review status: criteria provided, multiple submitters, no conflicts (2 of 4 stars). 2 submissions from 2 submitters: Uncertain significance (2). Last evaluated 2024-04-16.

Conditions:
CHD7-related disorder. Also called: CHD7-related condition.
CHARGE syndrome (CHARGE). Also called: Coloboma, heart anomaly, choanal atresia, retardation, genital and ear anomalies; CHARGE association; Hall-Hittner syndrome; Hittner Hirsch Kreh syndrome; CHARGE ASSOCIATION--COLOBOMA, HEART ANOMALY, CHOANAL ATRESIA, RETARDATION, GENITAL AND EAR ANOMALIES. Identifiers: Orphanet 138, MedGen C0265354, MONDO:0008965.

Allele frequency attached by ClinVar (database versions not stated): gnomAD exomes below 0.00001; gnomAD 0.00001.
gnomAD v4.1: 4 of 1,519,830 alleles (0.00026%); highest among the groups gnomAD compares: Admixed American, 0.0023%; no homozygotes.

Submissions (2):

Labcorp Genetics (formerly Invitae), Labcorp
Classification: Uncertain significance for CHARGE syndrome. Last evaluated: 2024-04-16. Review status: criteria provided, single submitter. Criteria: Invitae Variant Classification Sherloc (09022015). Collection method: clinical testing. Allele origin: germline.
Comment: This sequence change replaces glutamic acid, which is acidic and polar, with lysine, which is basic and polar, at codon 2238 of the CHD7 protein (p.Glu2238Lys). This variant is not present in population databases (gnomAD no frequency). This variant has not been reported in the literature in individuals affected with CHD7-related conditions. ClinVar contains an entry for this variant (Variation ID: 1473026). Advanced modeling of protein sequence and biophysical properties (such as structural, functional, and spatial information, amino acid conservation, physicochemical variation, residue mobility, and thermodynamic stability) performed at Invitae indicates that this missense variant is not expected to disrupt CHD7 protein function with a negative predictive value of 95%. In summary, the available evidence is currently insufficient to determine the role of this variant in disease. Therefore, it has been classified as a Variant of Uncertain Significance.

PreventionGenetics, part of Exact Sciences
Classification: Uncertain significance for CHD7-related condition. Last evaluated: 2023-06-08. Review status: criteria provided, single submitter. Criteria: ACMG Guidelines, 2015. Collection method: clinical testing. Allele origin: germline.
Comment: The CHD7 c.6712G>A variant is predicted to result in the amino acid substitution p.Glu2238Lys. To our knowledge, this variant has not been reported in the literature or in a large population database, indicating this variant is rare. At this time, the clinical significance of this variant is uncertain due to the absence of conclusive functional and genetic evidence.

NM_017780.4(CHD7):c.6712G>A (p.Glu2238Lys)

Gene: CHD7 (chromodomain helicase DNA binding protein 7; plus strand). Cytogenetic location: 8q12.2.
Variant type: single nucleotide variant.
Coding change: c.6712G>A on transcript NM_017780.4 (MANE Select); coding-DNA position 6712, G replaced by A.
Protein change: p.Glu2238Lys; replaces glutamic acid 2238 with lysine.
Molecular consequence: missense variant. On other transcripts: intron variant (1).
Genome position (GRCh38, 1-based): chr8:60,853,437, G>A. VCF-style: chr8-60853437-G-A. GRCh37 (hg19) VCF-style: chr8-61765996-G-A.
Other names: c.6712G>A (NM_017780.3); c.1717-8792G>A (NM_001316690.1); short protein forms E2238K.
Identifiers: ClinVar variation 1473026 (VCV001473026.8), dbSNP rs1227502557, ClinGen allele CA371326159.